The following is an entry in ClinVar:

NM_016239.4(MYO15A):c.3130_3147dup (p.Ile1044_Asp1049dup)

Gene: MYO15A (myosin XVA; plus strand). Cytogenetic location: 17p11.2.
Variant type: Duplication.
Coding change: c.3130_3147dup on transcript NM_016239.4 (MANE Select); coding-DNA positions 3130 to 3147, 18 bases duplicated (ATCACTCCCCCCAAGGAT).
Protein change: p.Ile1044_Asp1049dup.
Molecular consequence: inframe insertion.
Genome position (GRCh38, 1-based): chr17:18,121,930-18,121,947, ATCACTCCCCCCAAGGAT duplicated; duplicating any 18 consecutive bases within chr17:18,121,913-18,121,947 gives the same sequence; the c. name uses the placement nearest the transcript's 3' end. VCF-style (leftmost placement, unchanged base first): chr17-18121912-G-GTCACTCCCCCCAAGGATA. GRCh37 (hg19) VCF-style: chr17-18025226-G-GTCACTCCCCCCAAGGATA.
Other names: p.Asp1049_Val1050insIleThrProProLysAsp; c.3112_3113insTCACTCCCCCCAAGGATA (NM_016239.3); c.3130_3147dupATCACTCCCCCCAAGGAT (NM_016239.3).
Identifiers: ClinVar variation 449948 (VCV000449948.16), dbSNP rs377177611, ClinGen allele CA8423376.

ClinVar aggregate classification (germline): Conflicting classifications of pathogenicity. Review status: criteria provided, conflicting classifications (1 of 4 stars). 6 submissions from 5 submitters: Uncertain significance (1); Benign (1); Likely benign (3). 1 of the submissions does not count toward it. Last evaluated 2025-09-01.

Submissions (6):

CeGaT Center for Human Genetics Tuebingen
Classification: Likely benign. Last evaluated: 2025-09-01. Review status: criteria provided, single submitter. Criteria: CeGaT Center For Human Genetics Tuebingen Variant Classification Criteria Version 2. Collection method: clinical testing. Allele origin: germline. Affected: yes. Observed: 1 variant allele.
Comment: MYO15A: PM4, BS1

Blueprint Genetics
Classification: Likely benign. Last evaluated: 2024-10-18. Review status: criteria provided, single submitter. Criteria: ACMG Guidelines, 2015. Collection method: clinical testing. Allele origin: germline.

Labcorp Genetics (formerly Invitae), Labcorp
Classification: Uncertain significance. Last evaluated: 2022-09-19. Review status: criteria provided, single submitter. Criteria: Invitae Variant Classification Sherloc (09022015). Collection method: clinical testing. Allele origin: germline.
Comment: This variant, c.3130_3147dup, results in the insertion of 6 amino acid(s) of the MYO15A protein (p.Ile1044_Asp1049dup), but otherwise preserves the integrity of the reading frame. The frequency data for this variant in the population databases is considered unreliable, as metrics indicate poor data quality at this position in the gnomAD database. This variant has not been reported in the literature in individuals affected with MYO15A-related conditions. ClinVar contains an entry for this variant (Variation ID: 449948). Algorithms developed to predict the effect of sequence changes on RNA splicing suggest that this variant may create or strengthen a splice site. In summary, the available evidence is currently insufficient to determine the role of this variant in disease. Therefore, it has been classified as a Variant of Uncertain Significance.

GeneDx
Classification: Likely benign. Last evaluated: 2020-05-18. Review status: criteria provided, single submitter. Criteria: GeneDx Variant Classification Process June 2021. Collection method: clinical testing. Allele origin: germline. Affected: yes.

Laboratory for Molecular Medicine, Mass General Brigham Personalized Medicine
Classification: Benign. Last evaluated: 2016-05-21. Review status: criteria provided, single submitter. Criteria: LMM Criteria. Collection method: clinical testing. Allele origin: germline. Observed: 1 variant allele.
Comment: c.3130_3147dup in exon 2 of MYO15A: This variant is not expected to have clinica l significance because it is not located within the splice consensus sequence, r esults in an in-frame duplication of 6 amino acids, and has been identified in 1 .5% (145/9686) of African chromosomes by the Exome Aggregation Consortium (ExAC; dbSNP rs377177611, rs775957610).

GeneDx
Classification: Likely benign. Last evaluated: 2018-03-05. Review status: flagged submission. Criteria: GeneDx Variant Classification (06012015). Collection method: clinical testing. Allele origin: germline. Affected: yes. Not counted in ClinVar's aggregate classification.
Comment: This variant is considered likely benign or benign based on one or more of the following criteria: it is a conservative change, it occurs at a poorly conserved position in the protein, it is predicted to be benign by multiple in silico algorithms, and/or has population frequency not consistent with disease.
ClinVar note: Reason: This record appears to be redundant with a more recent record from the same submitter.
ClinVar note: Notes: SCV000618432 appears to be redundant with SCV001751775.